The following is an entry in ClinVar:

ClinVar aggregate classification (germline): Pathogenic (1 of 4 stars; one submission).

Submission:

Labcorp Genetics (formerly Invitae), Labcorp
Classification: Pathogenic. Last evaluated: 2026-02-01. Review status: criteria provided, single submitter. Criteria: Invitae Variant Classification Sherloc (09022015). Collection method: clinical testing. Allele origin: germline.
Comment: This sequence change creates a premature translational stop signal (p.Gly460Valfs*13) in the TTLL5 gene. It is expected to result in an absent or disrupted protein product. Loss-of-function variants in TTLL5 are known to be pathogenic (PMID: 24791901, 27162334). This variant is not present in population databases (gnomAD no frequency). This variant has not been reported in the literature in individuals affected with TTLL5-related conditions. For these reasons, this variant has been classified as Pathogenic.

Literature cited by the submitters: PubMed 24791901; PubMed 27162334.

NM_015072.5(TTLL5):c.1377del (p.Gly460fs)

Gene: TTLL5 (tubulin tyrosine ligase like 5; plus strand). Cytogenetic location: 14q24.3.
Variant type: Deletion.
Coding change: c.1377del on transcript NM_015072.5 (MANE Select); coding-DNA position 1377, one base deleted (T; older notation c.1377delT).
Protein change: p.Gly460fs; shifts the reading frame from glycine 460.
Molecular consequence: frameshift variant.
Genome position (GRCh38, 1-based): chr14:75,745,190, T deleted; the last of 2 consecutive T bases (chr14:75,745,189-75,745,190); deleting either gives the same sequence. VCF-style (leftmost placement, unchanged base first): chr14-75745188-CT-C. GRCh37 (hg19) VCF-style: chr14-76211531-CT-C.
Other names: short protein forms G460fs.
Identifiers: ClinVar variation 4773822 (VCV004773822.1).
Genomic context (GRCh38, chr14:75,745,188, plus strand): 5'-ATGAAAAACCTCGTGGGCTCAGCCCGGGAGAAAGGGCCAGGGAAGTTGGGTGGTTCTGTG[CT>C]TGGTCTGTCAATGGAGGAGGTAAAGATAAGTTCATTTTAGGCTTTTGTGGGTTAACACAG-3'